The following is an entry in ClinVar:

ClinVar aggregate classification (germline): Uncertain significance. Review status: criteria provided, multiple submitters, no conflicts (2 of 4 stars). 2 submissions from 2 submitters: Uncertain significance (2). Last evaluated 2024-08-12.

Conditions:
Inborn genetic diseases. Identifiers: MedGen C0950123, MeSH D030342.

Allele frequency attached by ClinVar (database versions not stated): gnomAD exomes below 0.00001; ExAC 0.00001; TOPMed 0.00002; gnomAD 0.00005; 1000 Genomes Project 30x 0.00031.

Submissions (2):

Ambry Genetics
Classification: Uncertain significance for Inborn genetic diseases. Last evaluated: 2024-08-12. Review status: criteria provided, single submitter. Criteria: Ambry Variant Classification Scheme 2023. Collection method: clinical testing. Allele origin: germline.

Labcorp Genetics (formerly Invitae), Labcorp
Classification: Uncertain significance. Last evaluated: 2023-08-17. Review status: criteria provided, single submitter. Criteria: Invitae Variant Classification Sherloc (09022015). Collection method: clinical testing. Allele origin: germline.
Comment: In summary, the available evidence is currently insufficient to determine the role of this variant in disease. Therefore, it has been classified as a Variant of Uncertain Significance. This sequence change replaces valine, which is neutral and non-polar, with alanine, which is neutral and non-polar, at codon 37 of the TBXA2R protein (p.Val37Ala). This variant is present in population databases (rs199588515, gnomAD 0.008%). This variant has not been reported in the literature in individuals affected with TBXA2R-related conditions. ClinVar contains an entry for this variant (Variation ID: 1910075). Advanced modeling of protein sequence and biophysical properties (such as structural, functional, and spatial information, amino acid conservation, physicochemical variation, residue mobility, and thermodynamic stability) performed at Invitae indicates that this missense variant is not expected to disrupt TBXA2R protein function.

NM_001060.6(TBXA2R):c.110T>C (p.Val37Ala)

Gene: TBXA2R (thromboxane A2 receptor; minus strand). Cytogenetic location: 19p13.3.
Variant type: single nucleotide variant.
Coding change: c.110T>C on transcript NM_001060.6 (MANE Select); coding-DNA position 110, T replaced by C.
Protein change: p.Val37Ala; replaces valine 37 with alanine.
Molecular consequence: missense variant.
Genome position (GRCh38, 1-based): chr19:3,600,525, A>G on the plus strand (T>C on the coding strand, the complement: TBXA2R is on the minus strand). VCF-style: chr19-3600525-A-G. GRCh37 (hg19) VCF-style: chr19-3600523-A-G.
Other names: c.110T>C, p.Val37Ala (NM_201636.3); short protein forms V37A.
Identifiers: ClinVar variation 1910075 (VCV001910075.6), dbSNP rs199588515, ClinGen allele CA9080932.